The following is an entry in ClinVar:

NM_003823.4(TNFRSF6B):c.545A>G (p.Asn182Ser)

Genes: RTEL1-TNFRSF6B (RTEL1-TNFRSF6B readthrough (NMD candidate); plus strand), TNFRSF6B (TNF receptor superfamily member 6b; plus strand). Cytogenetic location: 20q13.33.
Variant type: single nucleotide variant.
Coding change: c.545A>G on transcript NM_003823.4 (MANE Select); coding-DNA position 545, A replaced by G.
Protein change: p.Asn182Ser; replaces asparagine 182 with serine.
Molecular consequence: missense variant. On other transcripts: non-coding transcript variant (1).
Genome position (GRCh38, 1-based): chr20:63,697,448, A>G. VCF-style: chr20-63697448-A-G. GRCh37 (hg19) VCF-style: chr20-62328801-A-G.
Other names: short protein forms N182S.
Identifiers: ClinVar variation 2634974 (VCV002634974.5), dbSNP rs143141437, ClinGen allele CA9966501.

ClinVar aggregate classification (germline): Uncertain significance. Review status: criteria provided, multiple submitters, no conflicts (2 of 4 stars). 3 submissions from 3 submitters: Uncertain significance (3). Last evaluated 2025-06-16.

Conditions:
TNFRSF6B-related disorder. Also called: TNFRSF6B-related condition.

Allele frequency attached by ClinVar (database versions not stated): gnomAD exomes 0.00001; ExAC 0.00003; TOPMed 0.00009; gnomAD 0.00010; ESP Exome Variant Server 0.00015; 1000 Genomes Project 30x 0.00016; 1000 Genomes Project 0.00020.

Submissions (3):

Ambry Genetics
Classification: Uncertain significance. Last evaluated: 2025-06-16. Review status: criteria provided, single submitter. Criteria: Ambry Variant Classification Scheme 2023. Collection method: clinical testing. Allele origin: germline.

Labcorp Genetics (formerly Invitae), Labcorp
Classification: Uncertain significance. Last evaluated: 2024-01-26. Review status: criteria provided, single submitter. Criteria: Invitae Variant Classification Sherloc (09022015). Collection method: clinical testing. Allele origin: germline.
Comment: This sequence change replaces asparagine, which is neutral and polar, with serine, which is neutral and polar, at codon 182 of the TNFRSF6B protein (p.Asn182Ser). This variant is present in population databases (rs143141437, gnomAD 0.04%). This variant has not been reported in the literature in individuals affected with TNFRSF6B-related conditions. ClinVar contains an entry for this variant (Variation ID: 2634974). An algorithm developed to predict the effect of missense changes on protein structure and function (PolyPhen-2) suggests that this variant is likely to be tolerated. In summary, the available evidence is currently insufficient to determine the role of this variant in disease. Therefore, it has been classified as a Variant of Uncertain Significance.

PreventionGenetics, part of Exact Sciences
Classification: Uncertain significance for TNFRSF6B-related condition. Last evaluated: 2023-07-05. Review status: criteria provided, single submitter. Criteria: ACMG Guidelines, 2015. Collection method: clinical testing. Allele origin: germline.
Comment: The TNFRSF6B c.545A>G variant is predicted to result in the amino acid substitution p.Asn182Ser. To our knowledge, this variant has not been reported in the literature. This variant is reported in 0.044% of alleles in individuals of African descent in gnomAD. At this time, the clinical significance of this variant is uncertain due to the absence of conclusive functional and genetic evidence.